The following is an entry in ClinVar:

ClinVar aggregate classification (germline): Uncertain significance (1 of 4 stars; one submission).

Conditions:
Ataxia-telangiectasia-like disorder (ATLD). Identifiers: MedGen C1858391, MONDO:0011457.

gnomAD v4.1: 1 of 1,614,052 alleles (0.000062%); highest among the groups gnomAD compares: South Asian, 0.0011%; no homozygotes.

Submission:

Labcorp Genetics (formerly Invitae), Labcorp
Classification: Uncertain significance for Ataxia-telangiectasia-like disorder. Last evaluated: 2023-07-17. Review status: criteria provided, single submitter. Criteria: Invitae Variant Classification Sherloc (09022015). Collection method: clinical testing. Allele origin: germline.
Comment: In summary, the available evidence is currently insufficient to determine the role of this variant in disease. Therefore, it has been classified as a Variant of Uncertain Significance. Variants that disrupt the consensus splice site are a relatively common cause of aberrant splicing (PMID: 17576681, 9536098). Algorithms developed to predict the effect of sequence changes on RNA splicing suggest that this variant may disrupt the consensus splice site. This variant has not been reported in the literature in individuals affected with MRE11-related conditions. This variant is not present in population databases (gnomAD no frequency). This sequence change falls in intron 2 of the MRE11 gene. It does not directly change the encoded amino acid sequence of the MRE11 protein. It affects a nucleotide within the consensus splice site.

Literature cited by the submitters: PubMed 17576681; PubMed 9536098.

NM_005591.4(MRE11):c.20+4A>C

Gene: MRE11 (MRE11 double strand break repair nuclease; minus strand). Cytogenetic location: 11q21.
Variant type: single nucleotide variant.
Coding change: c.20+4A>C on transcript NM_005591.4 (MANE Select); 4 bases into the intron after coding-DNA position 20, A replaced by C.
Molecular consequence: intron variant.
Genome position (GRCh38, 1-based): chr11:94,492,778, T>G on the plus strand (A>C on the coding strand, the complement: MRE11 is on the minus strand). VCF-style: chr11-94492778-T-G. GRCh37 (hg19) VCF-style: chr11-94225944-T-G.
Other names: c.20+4A>C (NM_001330347.2, NM_005590.4).
Identifiers: ClinVar variation 2778683 (VCV002778683.3), dbSNP rs754117875, ClinGen allele CA2615599905.
Genomic context (GRCh38, chr11:94,492,778, plus strand): 5'-TGATCACAGTTGACGAGCTTTAGAAACCCCAAATAACAAGGGATTCCAGAAGTCAGGTGC[T>G]TACAGTGCATCTGCAGTACTCATTTTTATGGTCAGTCAAGCTCCTCTGGGACCAGGTTCT-3'